The following is an entry in ClinVar:

NM_002661.5(PLCG2):c.3332C>T (p.Pro1111Leu)

Gene: PLCG2 (phospholipase C gamma 2; plus strand). Cytogenetic location: 16q23.3.
Variant type: single nucleotide variant.
Coding change: c.3332C>T on transcript NM_002661.5 (MANE Select); coding-DNA position 3332, C replaced by T.
Protein change: p.Pro1111Leu; replaces proline 1111 with leucine.
Molecular consequence: missense variant.
Genome position (GRCh38, 1-based): chr16:81,939,910, C>T. VCF-style: chr16-81939910-C-T. GRCh37 (hg19) VCF-style: chr16-81973515-C-T.
Other names: short protein forms P1111L.
Identifiers: ClinVar variation 662308 (VCV000662308.6), dbSNP rs1597146336, ClinGen allele CA396908238.

ClinVar aggregate classification (germline): Uncertain significance (1 of 4 stars; one submission).

Conditions:
Familial cold autoinflammatory syndrome 3 (FCAS3). Also called: ANTIBODY DEFICIENCY AND IMMUNE DYSREGULATION, PLCG2-ASSOCIATED; FAMILIAL ATYPICAL COLD URTICARIA. Identifiers: Orphanet 300359, MedGen C3280914, MONDO:0013766, OMIM 614468.

Submission:

Labcorp Genetics (formerly Invitae), Labcorp
Classification: Uncertain significance for Familial cold autoinflammatory syndrome 3. Last evaluated: 2022-08-14. Review status: criteria provided, single submitter. Criteria: Invitae Variant Classification Sherloc (09022015). Collection method: clinical testing. Allele origin: germline.
Comment: This sequence change replaces proline, which is neutral and non-polar, with leucine, which is neutral and non-polar, at codon 1111 of the PLCG2 protein (p.Pro1111Leu). This variant is not present in population databases (gnomAD no frequency). This variant has not been reported in the literature in individuals affected with PLCG2-related conditions. ClinVar contains an entry for this variant (Variation ID: 662308). Algorithms developed to predict the effect of missense changes on protein structure and function (SIFT, PolyPhen-2, Align-GVGD) all suggest that this variant is likely to be disruptive. In summary, the available evidence is currently insufficient to determine the role of this variant in disease. Therefore, it has been classified as a Variant of Uncertain Significance.